The following is an entry in ClinVar:

NM_004517.4(ILK):c.1086G>C (p.Gln362His)

Genes: ILK (integrin linked kinase; plus strand), TAF10 (TATA-box binding protein associated factor 10; minus strand). Cytogenetic location: 11p15.4.
Variant type: single nucleotide variant.
Coding change: c.1086G>C on transcript NM_004517.4 (MANE Select); coding-DNA position 1086, G replaced by C.
Protein change: p.Gln362His; replaces glutamine 362 with histidine.
Molecular consequence: missense variant. On other transcripts: 3 prime UTR variant (1).
Genome position (GRCh38, 1-based): chr11:6,610,155, G>C. VCF-style: chr11-6610155-G-C. GRCh37 (hg19) VCF-style: chr11-6631386-G-C.
Other names: c.1086G>C, p.Gln362His (NM_001014794.3, NM_001014795.3); c.903G>C, p.Gln301His (NM_001278441.2); c.684G>C, p.Gln228His (NM_001278442.2); c.*767C>G (NM_006284.4); short protein forms Q301H, Q362H, Q228H.
Identifiers: ClinVar variation 1401293 (VCV001401293.7), dbSNP rs142990615, ClinGen allele CA5858283.
Genomic context (GRCh38, chr11:6,610,155, plus strand): 5'-GGCAGAGACAGGACAGGCAAGGGGGCCAGAACAGACAAGCCCTATCTCTCCAGCTCTGCA[G>C]AAGAAGCCTGAAGACACAAACAGACGCTCAGCAGACATGTGGAGTTTTGCAGTGCTTCTG-3'
Protein context (NP_004508.1, residues 352-372): APAWVAPEAL[Gln362His]KKPEDTNRRS

ClinVar aggregate classification (germline): Uncertain significance. Review status: criteria provided, multiple submitters, no conflicts (2 of 4 stars). 2 submissions from 2 submitters: Uncertain significance (2). Last evaluated 2025-05-27.

Conditions:
Primary familial hypertrophic cardiomyopathy (HCM). Identifiers: Orphanet 99739, MedGen C0949658, MeSH D024741, MONDO:0024573. Inheritance: Various modes of inheritance.

Allele frequency attached by ClinVar (database versions not stated): TOPMed 0.00001; ExAC 0.00002; gnomAD 0.00002 and 0.00003; gnomAD exomes 0.00002; ESP Exome Variant Server 0.00008.
gnomAD v4.1: 30 of 1,614,118 alleles (0.0019%); highest among the groups gnomAD compares: Non-Finnish European, 0.0023%; no homozygotes.

Submissions (2):

Labcorp Genetics (formerly Invitae), Labcorp
Classification: Uncertain significance for Primary familial hypertrophic cardiomyopathy. Last evaluated: 2025-05-27. Review status: criteria provided, single submitter. Criteria: Invitae Variant Classification Sherloc (09022015). Collection method: clinical testing. Allele origin: germline.
Comment: This sequence change replaces glutamine, which is neutral and polar, with histidine, which is basic and polar, at codon 362 of the ILK protein (p.Gln362His). This variant is present in population databases (rs142990615, gnomAD 0.004%). This missense change has been observed in individual(s) with hypertrophic cardiomyopathy (PMID: 26656175). ClinVar contains an entry for this variant (Variation ID: 1401293). An algorithm developed to predict the effect of missense changes on protein structure and function (PolyPhen-2) suggests that this variant is likely to be disruptive. In summary, the available evidence is currently insufficient to determine the role of this variant in disease. Therefore, it has been classified as a Variant of Uncertain Significance.

AiLife Diagnostics
Classification: Uncertain significance. Last evaluated: 2021-12-03. Review status: criteria provided, single submitter. Criteria: ACMG Guidelines, 2015. Collection method: clinical testing. Allele origin: germline. Affected: yes. Observed: 2 variant alleles.

Literature cited by the submitters: PubMed 26656175 (cited by Labcorp Genetics (formerly Invitae), Labcorp and AiLife Diagnostics).